The following is an entry in ClinVar:

NM_001370259.2(MEN1):c.752C>G (p.Thr251Ser)

Gene: MEN1 (menin 1; minus strand). Cytogenetic location: 11q13.1.
Variant type: single nucleotide variant.
Coding change: c.752C>G on transcript NM_001370259.2 (MANE Select); coding-DNA position 752, C replaced by G.
Protein change: p.Thr251Ser; replaces threonine 251 with serine.
Molecular consequence: missense variant. On other transcripts: non-coding transcript variant (4).
Genome position (GRCh38, 1-based): chr11:64,807,583, G>C on the plus strand (C>G on the coding strand, the complement: MEN1 is on the minus strand). VCF-style: chr11-64807583-G-C. GRCh37 (hg19) VCF-style: chr11-64575055-G-C.
Other names: c.767C>G, p.Thr256Ser (NM_000244.4, NM_001407145.1, NM_001407150.1 and 5 more transcripts); c.752C>G, p.Thr251Ser (NM_001370251.2, NM_001370260.2, NM_001370261.2 and 7 more transcripts); c.647C>G, p.Thr216Ser (NM_001370262.2, NM_001370263.2, NM_001407148.1 and 2 more transcripts); short protein forms T251S, T216S, T256S.
Identifiers: ClinVar variation 3872237 (VCV003872237.1).

ClinVar aggregate classification (germline): Uncertain significance (1 of 4 stars; one submission).

Conditions:
Hereditary cancer-predisposing syndrome. Also called: Tumor predisposition; Neoplastic Syndromes, Hereditary; Hereditary Cancer Syndrome; Hereditary neoplastic syndrome. Identifiers: Orphanet 140162, MedGen C0027672, MeSH D009386, MONDO:0015356.

Submission:

Ambry Genetics
Classification: Uncertain significance for Hereditary cancer-predisposing syndrome. Last evaluated: 2024-12-19. Review status: criteria provided, single submitter. Criteria: Ambry Variant Classification Scheme 2023. Collection method: clinical testing. Allele origin: germline.
Comment: The p.T251S variant (also known as c.752C>G), located in coding exon 3 of the MEN1 gene, results from a C to G substitution at nucleotide position 752. The threonine at codon 251 is replaced by serine, an amino acid with similar properties. This amino acid position is highly conserved in available vertebrate species. In addition, the in silico prediction for this alteration is inconclusive. Based on the available evidence, the clinical significance of this variant remains unclear.